The following is an entry in ClinVar:

NM_004006.3(DMD):c.1478A>G (p.His493Arg)

Gene: DMD (dystrophin; minus strand). Cytogenetic location: Xp21.1.
Variant type: single nucleotide variant.
Coding change: c.1478A>G on transcript NM_004006.3 (MANE Select); coding-DNA position 1478, A replaced by G.
Protein change: p.His493Arg; replaces histidine 493 with arginine.
Molecular consequence: missense variant.
Genome position (GRCh38, 1-based): chrX:32,614,307, T>C on the plus strand (A>G on the coding strand, the complement: DMD is on the minus strand). VCF-style: chrX-32614307-T-C. GRCh37 (hg19) VCF-style: chrX-32632424-T-C.
Other names: c.1454A>G, p.His485Arg (NM_000109.4); c.1466A>G, p.His489Arg (NM_004009.3); c.1109A>G, p.His370Arg (NM_004010.3); short protein forms H485R, H370R, H489R, H493R.
Identifiers: ClinVar variation 2903747 (VCV002903747.1), dbSNP rs2519179942, ClinGen allele CA412669705.

ClinVar aggregate classification (germline): Uncertain significance (1 of 4 stars; one submission).

Conditions:
Duchenne muscular dystrophy (DMD). Also called: MUSCULAR DYSTROPHY, PSEUDOHYPERTROPHIC PROGRESSIVE, DUCHENNE TYPE; Duchenne Muscular Dystrophy (DMD). Identifiers: Orphanet 98896, MedGen C0013264, MONDO:0010679, OMIM 310200.

Submission:

Labcorp Genetics (formerly Invitae), Labcorp
Classification: Uncertain significance for Duchenne muscular dystrophy. Last evaluated: 2023-11-08. Review status: criteria provided, single submitter. Criteria: Invitae Variant Classification Sherloc (09022015). Collection method: clinical testing. Allele origin: germline.
Comment: This sequence change replaces histidine, which is basic and polar, with arginine, which is basic and polar, at codon 493 of the DMD protein (p.His493Arg). This variant is not present in population databases (gnomAD no frequency). This variant has not been reported in the literature in individuals affected with DMD-related conditions. Advanced modeling of protein sequence and biophysical properties (such as structural, functional, and spatial information, amino acid conservation, physicochemical variation, residue mobility, and thermodynamic stability) performed at Invitae indicates that this missense variant is not expected to disrupt DMD protein function with a negative predictive value of 95%. In summary, the available evidence is currently insufficient to determine the role of this variant in disease. Therefore, it has been classified as a Variant of Uncertain Significance.